The following is an entry in ClinVar:

ClinVar aggregate classification (germline): Uncertain significance. Review status: criteria provided, multiple submitters, no conflicts (2 of 4 stars). 2 submissions from 2 submitters: Uncertain significance (2). Last evaluated 2025-12-03.

Conditions:
Inborn genetic diseases. Identifiers: MedGen C0950123, MeSH D030342.

Allele frequency attached by ClinVar (database versions not stated): ExAC 0.00002; gnomAD exomes 0.00002.
gnomAD v4.1: 39 of 1,613,520 alleles (0.0024%); highest among the groups gnomAD compares: Middle Eastern, 0.033%; no homozygotes.

Submissions (2):

Ambry Genetics
Classification: Uncertain significance for Inborn genetic diseases. Last evaluated: 2025-12-03. Review status: criteria provided, single submitter. Criteria: Ambry Variant Classification Scheme 2023. Collection method: clinical testing. Allele origin: germline.

Labcorp Genetics (formerly Invitae), Labcorp
Classification: Uncertain significance. Last evaluated: 2024-10-22. Review status: criteria provided, single submitter. Criteria: Invitae Variant Classification Sherloc (09022015). Collection method: clinical testing. Allele origin: germline.
Comment: This sequence change replaces glutamine, which is neutral and polar, with histidine, which is basic and polar, at codon 289 of the WISP3 protein (p.Gln289His). This variant is present in population databases (rs782019386, gnomAD 0.004%). This variant has not been reported in the literature in individuals affected with WISP3-related conditions. ClinVar contains an entry for this variant (Variation ID: 1054488). Invitae Evidence Modeling of protein sequence and biophysical properties (such as structural, functional, and spatial information, amino acid conservation, physicochemical variation, residue mobility, and thermodynamic stability) has been performed for this missense variant. However, the output from this modeling did not meet the statistical confidence thresholds required to predict the impact of this variant on WISP3 protein function. In summary, the available evidence is currently insufficient to determine the role of this variant in disease. Therefore, it has been classified as a Variant of Uncertain Significance.

NM_198239.2(CCN6):c.867G>C (p.Gln289His)

Gene: CCN6 (cellular communication network factor 6; plus strand). Cytogenetic location: 6q21.
Variant type: single nucleotide variant.
Coding change: c.867G>C on transcript NM_198239.2 (MANE Select); coding-DNA position 867, G replaced by C.
Protein change: p.Gln289His; replaces glutamine 289 with histidine.
Molecular consequence: missense variant. On other transcripts: non-coding transcript variant (2).
Genome position (GRCh38, 1-based): chr6:112,069,422, G>C. VCF-style: chr6-112069422-G-C. GRCh37 (hg19) VCF-style: chr6-112390625-G-C.
Other names: c.867G>C, p.Gln289His (NM_003880.4); c.867G>C (NM_003880.3); short protein forms Q289H.
Identifiers: ClinVar variation 1054488 (VCV001054488.7), dbSNP rs782019386, ClinGen allele CA3964121.
Genomic context (GRCh38, chr6:112,069,422, plus strand): 5'-ACCTACTTTCCAACTCTCCAAAGCTGAAAAATTTGTCTTTTCTGGATGCTCAAGTACTCA[G>C]AGTTACAAACCCACTTTTTGTGGAATATGCTTGGATAAGAGATGCTGTATCCCTAATAAG-3'
Protein context (NP_937882.2, residues 279-299): KFVFSGCSST[Gln289His]SYKPTFCGIC